The following is an entry in ClinVar:

NM_000784.4(CYP27A1):c.420C>T (p.His140=)

Gene: CYP27A1 (cytochrome P450 family 27 subfamily A member 1; plus strand). Cytogenetic location: 2q35.
Variant type: single nucleotide variant.
Coding change: c.420C>T on transcript NM_000784.4 (MANE Select); coding-DNA position 420, C replaced by T.
Protein change: p.His140=; no amino-acid change (histidine 140 retained).
Molecular consequence: synonymous variant.
Genome position (GRCh38, 1-based): chr2:218,809,741, C>T. VCF-style: chr2-218809741-C-T. GRCh37 (hg19) VCF-style: chr2-219674464-C-T.
Identifiers: ClinVar variation 500439 (VCV000500439.20), dbSNP rs139415581, ClinGen allele CA2112585.

ClinVar aggregate classification (germline): Conflicting classifications of pathogenicity. Review status: criteria provided, conflicting classifications (1 of 4 stars). 5 submissions from 5 submitters: Uncertain significance (1); Likely benign (2). 2 of the submissions do not count toward it. Last evaluated 2025-12-08.

Conditions:
CYP27A1-related disorder. Also called: CYP27A1-related condition.
Cardiovascular phenotype. Identifiers: MedGen CN230736.
Cholestanol storage disease (CTX). Also called: CTX: Cerebrotendinous xanthomatosis; CEREBRAL CHOLESTERINOSIS; Cerebrotendinous Xanthomatosis. Identifiers: Orphanet 909, MedGen C0238052, MONDO:0008948, OMIM 213700.

Allele frequency attached by ClinVar (database versions not stated): gnomAD exomes 0.00005; ExAC 0.00006; gnomAD 0.00006; TOPMed 0.00006; ESP Exome Variant Server 0.00008.
gnomAD v4.1: 95 of 1,613,774 alleles (0.0059%); highest among the groups gnomAD compares: Middle Eastern, 0.016%; no homozygotes.

Submissions (5):

Labcorp Genetics (formerly Invitae), Labcorp
Classification: Likely benign for Cholestanol storage disease. Last evaluated: 2025-12-08. Review status: criteria provided, single submitter. Criteria: Invitae Variant Classification Sherloc (09022015). Collection method: clinical testing. Allele origin: germline.

Ambry Genetics
Classification: Likely benign for Cardiovascular phenotype. Last evaluated: 2023-06-05. Review status: criteria provided, single submitter. Criteria: Ambry Variant Classification Scheme 2023. Collection method: clinical testing. Allele origin: germline.

Eurofins Ntd Llc (ga)
Classification: Uncertain significance. Last evaluated: 2017-02-20. Review status: criteria provided, single submitter. Criteria: EGL Classification Definitions 2015. Collection method: clinical testing. Allele origin: germline. Observed: 2 variant alleles, 2 heterozygotes.

PreventionGenetics, part of Exact Sciences
Classification: Likely benign for CYP27A1-related condition. Last evaluated: 2021-05-10. Review status: no assertion criteria provided. Collection method: clinical testing. Allele origin: germline. Not counted in ClinVar's aggregate classification.
Comment: This variant is classified as likely benign based on ACMG/AMP sequence variant interpretation guidelines (Richards et al. 2015 PMID: 25741868, with internal and published modifications).

Natera, Inc.
Classification: Likely benign for Cerebrotendinous xanthomatosis. Last evaluated: 2020-06-04. Review status: no assertion criteria provided. Collection method: clinical testing. Allele origin: germline. Not counted in ClinVar's aggregate classification.